The following is an entry in ClinVar:

NM_001355436.2(SPTB):c.4812G>A (p.Glu1604=)

Gene: SPTB (spectrin beta, erythrocytic; minus strand). Cytogenetic location: 14q23.3.
Variant type: single nucleotide variant.
Coding change: c.4812G>A on transcript NM_001355436.2 (MANE Select); coding-DNA position 4812, G replaced by A.
Protein change: p.Glu1604=; no amino-acid change (glutamic acid 1604 retained).
Molecular consequence: synonymous variant.
Genome position (GRCh38, 1-based): chr14:64,775,155, C>T on the plus strand (G>A on the coding strand, the complement: SPTB is on the minus strand). VCF-style: chr14-64775155-C-T. GRCh37 (hg19) VCF-style: chr14-65241873-C-T.
Other names: c.4812G>A, p.Glu1604= (NM_001024858.4, NM_001355437.2).
Identifiers: ClinVar variation 3054778 (VCV003054778.2), dbSNP rs2503070044, ClinGen allele CA486735710.

ClinVar aggregate classification (germline): Likely benign (0 of 4 stars; one submission).

Conditions:
SPTB-related disorder. Also called: SPTB-related condition; SPTB-Related Disorders.

Submission:

PreventionGenetics, part of Exact Sciences
Classification: Likely benign for SPTB-related condition. Last evaluated: 2020-04-17. Review status: no assertion criteria provided. Collection method: clinical testing. Allele origin: germline.
Comment: This variant is classified as likely benign based on ACMG/AMP sequence variant interpretation guidelines (Richards et al. 2015 PMID: 25741868, with internal and published modifications).